The following is an entry in ClinVar:

ClinVar aggregate classification (germline): Uncertain significance. Review status: criteria provided, multiple submitters, no conflicts (2 of 4 stars). 4 submissions from 4 submitters: Uncertain significance (4). Last evaluated 2025-10-01.

Conditions:
Fanconi anemia (FA). Also called: Fanconi's anemia. Identifiers: Orphanet 84, MedGen C0015625, MeSH D005199, MONDO:0019391.
Fanconi anemia complementation group A (FANCA). Also called: Fanconi anemia, group A; FANCA-Related Fanconi Anemia. Identifiers: Orphanet 84, MedGen C3469521, MONDO:0009215, OMIM 227650.

gnomAD v4.1: 1 of 1,612,492 alleles (0.000062%); highest among the groups gnomAD compares: Non-Finnish European, 0.000085%; no homozygotes.

Submissions (4):

Myriad Genetics, Inc.
Classification: Uncertain significance for Fanconi anemia complementation group A. Last evaluated: 2025-10-01. Review status: criteria provided, single submitter. Criteria: Myriad Autosomal Dominant, Autosomal Recessive and X-Linked Classification Criteria (2023). Collection method: clinical testing. Allele origin: unknown.
Comment: NM_000135.2(FANCA):c.1480C>G(L494V) is a missense variant classified as a variant of uncertain significance in the context of Fanconi anemia complementation group A. L494V has been observed in a case with relevant disease (PMID: 36513378). Relevant functional assessments of this variant are not available in the literature. L494V has not been observed in referenced population frequency databases. In summary, there is insufficient evidence to classify NM_000135.2(FANCA):c.1480C>G(L494V) as pathogenic or benign. Please note: this variant was assessed in the context of healthy population screening.

Quest Diagnostics Nichols Institute San Juan Capistrano
Classification: Uncertain significance. Last evaluated: 2024-08-15. Review status: criteria provided, single submitter. Criteria: Quest Diagnostics criteria. Collection method: clinical testing. Allele origin: unknown.
Comment: The FANCA c.1480C>G (p.Leu494Val) variant has been reported in the published literature in an adult-age individual with Fanconi anemia who carried a pathogenic variant in the FANCA gene presumably on the opposite chromosome (PMID: 36513378 (2023)). This variant has not been reported in large, multi-ethnic general populations (Genome Aggregation Database). Analysis of this variant using bioinformatics tools for the prediction of the effect of amino acid changes on protein structure and function yielded conflicting predictions that this variant is benign or damaging. Based on the available information, we are unable to determine the clinical significance of this variant.

Labcorp Genetics (formerly Invitae), Labcorp
Classification: Uncertain significance for Fanconi anemia. Last evaluated: 2024-08-04. Review status: criteria provided, single submitter. Criteria: Invitae Variant Classification Sherloc (09022015). Collection method: clinical testing. Allele origin: germline.
Comment: This sequence change replaces leucine, which is neutral and non-polar, with valine, which is neutral and non-polar, at codon 494 of the FANCA protein (p.Leu494Val). This variant is not present in population databases (gnomAD no frequency). This missense change has been observed in individual(s) with Fanconi anemia (PMID: 36513378). Advanced modeling of protein sequence and biophysical properties (such as structural, functional, and spatial information, amino acid conservation, physicochemical variation, residue mobility, and thermodynamic stability) performed at Invitae indicates that this missense variant is expected to disrupt FANCA protein function with a positive predictive value of 80%. In summary, the available evidence is currently insufficient to determine the role of this variant in disease. Therefore, it has been classified as a Variant of Uncertain Significance.

Women's Health and Genetics/Laboratory Corporation of America, LabCorp
Classification: Uncertain significance. Last evaluated: 2024-07-10. Review status: criteria provided, single submitter. Criteria: LabCorp Variant Classification Summary - May 2015. Collection method: clinical testing. Allele origin: germline.
Comment: Variant summary: FANCA c.1480C>G (p.Leu494Val) results in a conservative amino acid change located in the Fanconi anaemia group A protein, N-terminal domain (IPR031729) of the encoded protein sequence. Three of five in-silico tools predict a damaging effect of the variant on protein function. The variant was absent in 251352 control chromosomes (gnomAD). The available data on variant occurrences in the general population are insufficient to allow any conclusion about variant significance. c.1480C>G has been reported in the literature in an individual affected with Fanconi Anemia (Wang_2023). These data do not allow any conclusion about variant significance. To our knowledge, no experimental evidence demonstrating an impact on protein function has been reported. The following publication has been ascertained in the context of this evaluation (PMID: 36513378). No submitters have cited clinical-significance assessments for this variant to ClinVar. Based on the evidence outlined above, the variant was classified as uncertain significance.

Literature cited by the submitters: PubMed 36513378 (cited by 4 submitters).

NM_000135.4(FANCA):c.1480C>G (p.Leu494Val)

Gene: FANCA (FA complementation group A; minus strand). Cytogenetic location: 16q24.3.
Variant type: single nucleotide variant.
Coding change: c.1480C>G on transcript NM_000135.4 (MANE Select); coding-DNA position 1480, C replaced by G.
Protein change: p.Leu494Val; replaces leucine 494 with valine.
Molecular consequence: missense variant.
Genome position (GRCh38, 1-based): chr16:89,783,093, G>C on the plus strand (C>G on the coding strand, the complement: FANCA is on the minus strand). VCF-style: chr16-89783093-G-C. GRCh37 (hg19) VCF-style: chr16-89849501-G-C.
Other names: c.1480C>G (NM_000135.3); c.1480C>G, p.Leu494Val (NM_001286167.3); short protein forms L494V.
Identifiers: ClinVar variation 3338973 (VCV003338973.5).